The following is an entry in ClinVar:

ClinVar aggregate classification (germline): Uncertain significance (1 of 4 stars; one submission).

Submission:

Ambry Genetics
Classification: Uncertain significance. Last evaluated: 2021-12-31. Review status: criteria provided, single submitter. Criteria: Ambry Variant Classification Scheme 2023. Collection method: clinical testing. Allele origin: germline.
Comment: The p.L1534V variant (also known as c.4600T>G), located in coding exon 4 of the ALPK2 gene, results from a T to G substitution at nucleotide position 4600. The leucine at codon 1534 is replaced by valine, an amino acid with highly similar properties. This amino acid position is conserved. In addition, this alteration is predicted to be tolerated by in silico analysis. Since supporting evidence is limited at this time, the clinical significance of this alteration remains unclear.

NM_052947.4(ALPK2):c.4600T>G (p.Leu1534Val)

Genes: ALPK2 (alpha kinase 2; minus strand), LOC126862764 (BRD4-independent group 4 enhancer GRCh37_chr18:56202574-56203773; plus strand). Cytogenetic location: 18q21.31.
Variant type: single nucleotide variant.
Coding change: c.4600T>G on transcript NM_052947.4 (MANE Select); coding-DNA position 4600, T replaced by G.
Protein change: p.Leu1534Val; replaces leucine 1534 with valine.
Molecular consequence: missense variant.
Genome position (GRCh38, 1-based): chr18:58,535,587, A>C on the plus strand (T>G on the coding strand, the complement: ALPK2 is on the minus strand). VCF-style: chr18-58535587-A-C. GRCh37 (hg19) VCF-style: chr18-56202819-A-C.
Other names: short protein forms L1534V.
Identifiers: ClinVar variation 1741825 (VCV001741825.2), dbSNP rs1398115635, ClinGen allele CA402561093.